The following is an entry in ClinVar:

ClinVar aggregate classification (germline): not provided (0 of 4 stars; one submission).

Conditions:
Gestational diabetes mellitus uncontrolled. Identifiers: MedGen C3532257.

Submission:

Institute of Molecular and Cell Biology, University of Tartu
No classification provided. Condition: Gestational diabetes mellitus uncontrolled. Review status: no classification provided. Collection method: case-control. Allele origin: unknown. Affected: yes. Study: Kasak2014.
Comment: The study aimed to determine the contribution of copy number variants in the genetic etiology of normal and complicated pregnancies. The samples represented (i) maternal blood DNA drawn from healthy pregnant women during 1st or 2nd trimester and (ii) maternal and paternal blood DNA drawn at term pregnancy cases representing normal and complicated gestations (severe preeclampsia, PE; gestational diabetes, GD; small-for-gestational age newborn, SGA; large-for-gestational age newborn, LGA). We performed CNV calling based on genome-wide genotyping dataset (Illumina HumanOmniExpress-24-v1 BeadChip) by applying three algorithms, QuantiSNP, GADA (Genome Alteration Detection Algorithm) and CNstream in parallel. The acquired CNV calls were merged with HD-CNV (Hotspot Detector for Copy Number Variants) program and only the CNVs predicted by at least two programs, were considered in subsequent analysis.

Literature cited by the submitters: PubMed 25666259.

NC_000017.11:g.79369452_79395919dup

Gene: RBFOX3 (RNA binding fox-1 homolog 3; minus strand). Cytogenetic location: 17q25.3.
Variant type: Duplication.
Identifiers: ClinVar variation 157403 (VCV000157403.2).